The following is an entry in ClinVar:

ClinVar aggregate classification (germline): Uncertain significance. Review status: criteria provided, multiple submitters, no conflicts (2 of 4 stars). 4 submissions from 4 submitters: Uncertain significance (4). Last evaluated 2025-11-18.

Conditions:
Hereditary cancer-predisposing syndrome. Also called: Hereditary Cancer Syndrome; Hereditary neoplastic syndrome; Neoplastic Syndromes, Hereditary; Tumor predisposition. Identifiers: Orphanet 140162, MedGen C0027672, MeSH D009386, MONDO:0015356.

Allele frequency attached by ClinVar (database versions not stated): gnomAD exomes 0.00002; gnomAD 0.00003; TOPMed 0.00003.

Submissions (4):

Labcorp Genetics (formerly Invitae), Labcorp
Classification: Uncertain significance. Last evaluated: 2025-11-18. Review status: criteria provided, single submitter. Criteria: Invitae Variant Classification Sherloc (09022015). Collection method: clinical testing. Allele origin: germline.
Comment: This sequence change replaces alanine, which is neutral and non-polar, with glycine, which is neutral and non-polar, at codon 1780 of the POLE protein (p.Ala1780Gly). This variant is present in population databases (no rsID available, gnomAD 0.006%). This missense change has been observed in individual(s) with multiple melanomas (PMID: 31567591). ClinVar contains an entry for this variant (Variation ID: 405792). Invitae Evidence Modeling of protein sequence and biophysical properties (such as structural, functional, and spatial information, amino acid conservation, physicochemical variation, residue mobility, and thermodynamic stability) indicates that this missense variant is not expected to disrupt POLE protein function with a negative predictive value of 80%. In summary, the available evidence is currently insufficient to determine the role of this variant in disease. Therefore, it has been classified as a Variant of Uncertain Significance.

Center for Genomic Medicine, Rigshospitalet, Copenhagen University Hospital
Classification: Uncertain significance. Last evaluated: 2025-03-04. Review status: criteria provided, single submitter. Criteria: ACMG Guidelines, 2015. Collection method: clinical testing. Allele origin: germline.

Ambry Genetics
Classification: Uncertain significance for Hereditary cancer-predisposing syndrome. Last evaluated: 2024-10-17. Review status: criteria provided, single submitter. Criteria: Ambry Variant Classification Scheme 2023. Collection method: clinical testing. Allele origin: germline.
Comment: The p.A1780G variant (also known as c.5339C>G), located in coding exon 39 of the POLE gene, results from a C to G substitution at nucleotide position 5339. The alanine at codon 1780 is replaced by glycine, an amino acid with similar properties. This amino acid position is highly conserved in available vertebrate species. In addition, this alteration is predicted to be tolerated by in silico analysis. Based on the available evidence, the clinical significance of this variant remains unclear.

GeneDx
Classification: Uncertain significance. Last evaluated: 2023-03-30. Review status: criteria provided, single submitter. Criteria: GeneDx Variant Classification Process June 2021. Collection method: clinical testing. Allele origin: germline. Affected: yes.
Comment: In silico analysis supports that this missense variant does not alter protein structure/function; Observed in an individual with melanoma (Li et al., 2020); This variant is associated with the following publications: (PMID: 31567591)

Literature cited by the submitters: PubMed 31567591 (cited by Labcorp Genetics (formerly Invitae), Labcorp).

NM_006231.4(POLE):c.5339C>G (p.Ala1780Gly)

Gene: POLE (DNA polymerase epsilon, catalytic subunit; minus strand). Cytogenetic location: 12q24.33.
Variant type: single nucleotide variant.
Coding change: c.5339C>G on transcript NM_006231.4 (MANE Select); coding-DNA position 5339, C replaced by G.
Protein change: p.Ala1780Gly; replaces alanine 1780 with glycine.
Molecular consequence: missense variant.
Genome position (GRCh38, 1-based): chr12:132,641,686, G>C on the plus strand (C>G on the coding strand, the complement: POLE is on the minus strand). VCF-style: chr12-132641686-G-C. GRCh37 (hg19) VCF-style: chr12-133218272-G-C.
Other names: c.5339C>G (NM_006231.2); short protein forms A1780G.
Identifiers: ClinVar variation 405792 (VCV000405792.17), dbSNP rs1024088828, ClinGen allele CA16613606.